The following is an entry in ClinVar:

ClinVar aggregate classification (germline): Uncertain significance (1 of 4 stars; one submission).

Submission:

Labcorp Genetics (formerly Invitae), Labcorp
Classification: Uncertain significance. Last evaluated: 2022-08-19. Review status: criteria provided, single submitter. Criteria: Invitae Variant Classification Sherloc (09022015). Collection method: clinical testing. Allele origin: germline.
Comment: This sequence change replaces alanine, which is neutral and non-polar, with valine, which is neutral and non-polar, at codon 874 of the TONSL protein (p.Ala874Val). This variant is not present in population databases (gnomAD no frequency). This variant has not been reported in the literature in individuals affected with TONSL-related conditions. Algorithms developed to predict the effect of missense changes on protein structure and function (SIFT, PolyPhen-2, Align-GVGD) all suggest that this variant is likely to be tolerated. In summary, the available evidence is currently insufficient to determine the role of this variant in disease. Therefore, it has been classified as a Variant of Uncertain Significance.

NM_013432.5(TONSL):c.2621C>T (p.Ala874Val)

Genes: TONSL (tonsoku like, DNA repair protein; minus strand), TONSL-AS1 (TONSL antisense RNA 1; plus strand). Cytogenetic location: 8q24.3.
Variant type: single nucleotide variant.
Coding change: c.2621C>T on transcript NM_013432.5 (MANE Select); coding-DNA position 2621, C replaced by T.
Protein change: p.Ala874Val; replaces alanine 874 with valine.
Molecular consequence: missense variant.
Genome position (GRCh38, 1-based): chr8:144,435,812, G>A on the plus strand (C>T on the coding strand, the complement: TONSL is on the minus strand). VCF-style: chr8-144435812-G-A. GRCh37 (hg19) VCF-style: chr8-145661195-G-A.
Other names: short protein forms A874V.
Identifiers: ClinVar variation 1716826 (VCV001716826.5), dbSNP rs2537486971, ClinGen allele CA372653846.